The following is an entry in ClinVar:

NM_203447.4(DOCK8):c.1868+9A>G

Gene: DOCK8 (dedicator of cytokinesis 8; plus strand). Cytogenetic location: 9p24.3.
Variant type: single nucleotide variant.
Coding change: c.1868+9A>G on transcript NM_203447.4 (MANE Select); 9 bases into the intron after coding-DNA position 1868, A replaced by G.
Molecular consequence: intron variant.
Genome position (GRCh38, 1-based): chr9:370,309, A>G. VCF-style: chr9-370309-A-G. GRCh37 (hg19) VCF-style: chr9-370309-A-G.
Other names: c.1664+9A>G (NM_001193536.2, NM_001190458.2); c.1868+9A>G (NM_203447.3).
Identifiers: ClinVar variation 1139679 (VCV001139679.12), dbSNP rs370471790, ClinGen allele CA4957970.
Genomic context (GRCh38, chr9:370,309, plus strand): 5'-GCGGGCCTGAATTTCTGCAGGAAGTGTACACAGCTGTTACATACCATAATAAGTAAGTCT[A>G]TTTCAGCATTCTAAATATATGCCAAGATGGTTTCATCATCTCCTGGTTTTTCCAAGTCCC-3'

ClinVar aggregate classification (germline): Likely benign. Review status: criteria provided, multiple submitters, no conflicts (2 of 4 stars). 3 submissions from 3 submitters: Likely benign (2). 1 of the submissions does not count toward it. Last evaluated 2026-01-13.

Conditions:
DOCK8-related disorder. Also called: DOCK8-related condition.
Combined immunodeficiency due to DOCK8 deficiency (HIES2). Also called: HIES autosomal recessive; HYPER-IgE SYNDROME 2, AUTOSOMAL RECESSIVE, WITH RECURRENT INFECTIONS; Hyper-IgE recurrent infection syndrome, autosomal recessive; DOCK8 Deficiency; HYPER-IgE RECURRENT INFECTION SYNDROME 2, AUTOSOMAL RECESSIVE. Identifiers: Orphanet 217390, MedGen C4722305, MONDO:0009478, OMIM 243700.

Allele frequency attached by ClinVar (database versions not stated): ESP Exome Variant Server 0.00008.

Submissions (3):

Labcorp Genetics (formerly Invitae), Labcorp
Classification: Likely benign for Combined immunodeficiency due to DOCK8 deficiency. Last evaluated: 2026-01-13. Review status: criteria provided, single submitter. Criteria: Invitae Variant Classification Sherloc (09022015). Collection method: clinical testing. Allele origin: germline.

Blueprint Genetics
Classification: Likely benign. Last evaluated: 2024-11-08. Review status: criteria provided, single submitter. Criteria: ACMG Guidelines, 2015. Collection method: clinical testing. Allele origin: germline.

PreventionGenetics, part of Exact Sciences
Classification: Likely benign for DOCK8-related condition. Last evaluated: 2019-03-04. Review status: no assertion criteria provided. Collection method: clinical testing. Allele origin: germline. Not counted in ClinVar's aggregate classification.
Comment: This variant is classified as likely benign based on ACMG/AMP sequence variant interpretation guidelines (Richards et al. 2015 PMID: 25741868, with internal and published modifications).